The following is an entry in ClinVar:

ClinVar aggregate classification (germline): Uncertain significance (1 of 4 stars; one submission).

gnomAD v4.1: 10 of 1,568,348 alleles (0.00064%); highest among the groups gnomAD compares: African/African-American, 0.011%; no homozygotes.

Submission:

Labcorp Genetics (formerly Invitae), Labcorp
Classification: Uncertain significance. Last evaluated: 2024-04-17. Review status: criteria provided, single submitter. Criteria: Invitae Variant Classification Sherloc (09022015). Collection method: clinical testing. Allele origin: germline.
Comment: This sequence change replaces alanine, which is neutral and non-polar, with serine, which is neutral and polar, at codon 30 of the CRAT protein (p.Ala30Ser). The frequency data for this variant in the population databases is considered unreliable, as metrics indicate poor data quality at this position in the gnomAD database. This variant has not been reported in the literature in individuals affected with CRAT-related conditions. Advanced modeling of protein sequence and biophysical properties (such as structural, functional, and spatial information, amino acid conservation, physicochemical variation, residue mobility, and thermodynamic stability) performed at Invitae indicates that this missense variant is not expected to disrupt CRAT protein function with a negative predictive value of 80%. In summary, the available evidence is currently insufficient to determine the role of this variant in disease. Therefore, it has been classified as a Variant of Uncertain Significance.

NM_000755.5(CRAT):c.88G>T (p.Ala30Ser)

Gene: CRAT (carnitine O-acetyltransferase; minus strand). Cytogenetic location: 9q34.11.
Variant type: single nucleotide variant.
Coding change: c.88G>T on transcript NM_000755.5 (MANE Select); coding-DNA position 88, G replaced by T.
Protein change: p.Ala30Ser; replaces alanine 30 with serine.
Molecular consequence: missense variant.
Genome position (GRCh38, 1-based): chr9:129,108,017, C>A on the plus strand (G>T on the coding strand, the complement: CRAT is on the minus strand). VCF-style: chr9-129108017-C-A. GRCh37 (hg19) VCF-style: chr9-131870296-C-A.
Other names: c.25G>T, p.Ala9Ser (NM_001257363.3, NM_001346548.2, NM_004003.4); c.91G>T, p.Ala31Ser (NM_001346546.2); c.88G>T, p.Ala30Ser (NM_001346547.2, NM_001346549.2); short protein forms A30S, A31S, A9S.
Identifiers: ClinVar variation 3611400 (VCV003611400.2).